The following is an entry in ClinVar:

NM_001242896.3(DEPDC5):c.4570C>T (p.Gln1524Ter)

Gene: DEPDC5 (DEP domain containing 5, GATOR1 subcomplex subunit; plus strand). Cytogenetic location: 22q12.3.
Variant type: single nucleotide variant.
Coding change: c.4570C>T on transcript NM_001242896.3 (MANE Select); coding-DNA position 4570, C replaced by T.
Protein change: p.Gln1524Ter; replaces glutamine 1524 with a stop codon.
Molecular consequence: nonsense. On other transcripts: non-coding transcript variant (5).
Genome position (GRCh38, 1-based): chr22:31,906,255, C>T. VCF-style: chr22-31906255-C-T. GRCh37 (hg19) VCF-style: chr22-32302241-C-T.
Other names: c.4543C>T, p.Gln1515Ter (NM_001136029.4); c.4270C>T, p.Gln1424Ter (NM_001242897.2); c.4504C>T, p.Gln1502Ter (NM_001363852.2, NM_001364320.2); c.4336C>T, p.Gln1446Ter (NM_001363854.2, NM_001364319.2); c.4570C>T, p.Gln1524Ter (NM_001364318.2); c.4486C>T, p.Gln1496Ter (NM_001369901.1, NM_001369902.1); c.4477C>T, p.Gln1493Ter (NM_001369903.1, NM_014662.6); short protein forms Q1524*, Q1424*, Q1515*, Q1496*, Q1446*, Q1493*, Q1502*.
Identifiers: ClinVar variation 1975397 (VCV001975397.5), dbSNP rs2523594699, ClinGen allele CA411292396.

ClinVar aggregate classification (germline): Pathogenic (1 of 4 stars; one submission).

Conditions:
Familial focal epilepsy with variable foci (FPEVF). Identifiers: Orphanet 98820, MedGen C1858477, MONDO:0020310.

Submission:

Labcorp Genetics (formerly Invitae), Labcorp
Classification: Pathogenic for Familial focal epilepsy with variable foci. Last evaluated: 2022-04-18. Review status: criteria provided, single submitter. Criteria: Invitae Variant Classification Sherloc (09022015). Collection method: clinical testing. Allele origin: germline.
Comment: This variant is not present in population databases (gnomAD no frequency). This sequence change creates a premature translational stop signal (p.Gln1524*) in the DEPDC5 gene. While this is not anticipated to result in nonsense mediated decay, it is expected to disrupt the last 80 amino acid(s) of the DEPDC5 protein. This variant has not been reported in the literature in individuals affected with DEPDC5-related conditions. This variant disrupts a region of the DEPDC5 protein in which other variant(s) (p.Asp1565*) have been determined to be pathogenic (PMID: 28549235, 31639411). This suggests that this is a clinically significant region of the protein, and that variants that disrupt it are likely to be disease-causing. For these reasons, this variant has been classified as Pathogenic.

Literature cited by the submitters: PubMed 28549235; PubMed 31639411.